The following is an entry in ClinVar:

NM_199355.4(ADAMTS18):c.3628G>A (p.Gly1210Arg)

Gene: ADAMTS18 (ADAM metallopeptidase with thrombospondin type 1 motif 18; minus strand). Cytogenetic location: 16q23.1.
Variant type: single nucleotide variant.
Coding change: c.3628G>A on transcript NM_199355.4 (MANE Select); coding-DNA position 3628, G replaced by A.
Protein change: p.Gly1210Arg; replaces glycine 1210 with arginine.
Molecular consequence: missense variant.
Genome position (GRCh38, 1-based): chr16:77,283,994, C>T on the plus strand (G>A on the coding strand, the complement: ADAMTS18 is on the minus strand). VCF-style: chr16-77283994-C-T. GRCh37 (hg19) VCF-style: chr16-77317891-C-T.
Other names: c.3628G>A (NM_199355.2); c.3112G>A, p.Gly1038Arg (NM_001326358.2); short protein forms G1038R, G1210R.
Identifiers: ClinVar variation 747539 (VCV000747539.15), dbSNP rs61749041, ClinGen allele CA8180330.

ClinVar aggregate classification (germline): Conflicting classifications of pathogenicity. Review status: criteria provided, conflicting classifications (1 of 4 stars). 5 submissions from 5 submitters: Uncertain significance (1); Likely benign (3). 1 of the submissions does not count toward it. Last evaluated 2026-01-21.

Conditions:
ADAMTS18-related disorder. Also called: ADAMTS18-related condition.
Inborn genetic diseases. Identifiers: MedGen C0950123, MeSH D030342.

Allele frequency attached by ClinVar (database versions not stated): ExAC 0.00037; 1000 Genomes Project 30x 0.00062; ESP Exome Variant Server 0.00069; 1000 Genomes Project 0.00080; TOPMed 0.00123; gnomAD 0.00129 and 0.00135.
gnomAD v4.1: 396 of 1,613,936 alleles (0.025%); highest among the groups gnomAD compares: African/African-American, 0.46%; no homozygotes.

Submissions (5):

Labcorp Genetics (formerly Invitae), Labcorp
Classification: Likely benign. Last evaluated: 2026-01-21. Review status: criteria provided, single submitter. Criteria: Invitae Variant Classification Sherloc (09022015). Collection method: clinical testing. Allele origin: germline.

Ambry Genetics
Classification: Uncertain significance for Inborn genetic diseases. Last evaluated: 2025-04-19. Review status: criteria provided, single submitter. Criteria: Ambry Variant Classification Scheme 2023. Collection method: clinical testing. Allele origin: germline.

Blueprint Genetics
Classification: Likely benign. Last evaluated: 2024-11-25. Review status: criteria provided, single submitter. Criteria: ACMG Guidelines, 2015. Collection method: clinical testing. Allele origin: germline.

Breakthrough Genomics
Classification: Likely benign. Review status: criteria provided, single submitter. Criteria: ACMG Guidelines, 2015. Collection method: not provided. Allele origin: germline. Inheritance: Autosomal recessive inheritance. Affected: yes.

PreventionGenetics, part of Exact Sciences
Classification: Likely benign for ADAMTS18-related condition. Last evaluated: 2024-07-22. Review status: no assertion criteria provided. Collection method: clinical testing. Allele origin: germline. Not counted in ClinVar's aggregate classification.
Comment: This variant is classified as likely benign based on ACMG/AMP sequence variant interpretation guidelines (Richards et al. 2015 PMID: 25741868, with internal and published modifications).